The following is an entry in ClinVar:

NM_001374259.2(IL12RB2):c.1547C>A (p.Ser516Tyr)

Gene: IL12RB2 (interleukin 12 receptor subunit beta 2; plus strand). Cytogenetic location: 1p31.3.
Variant type: single nucleotide variant.
Coding change: c.1547C>A on transcript NM_001374259.2 (MANE Select); coding-DNA position 1547, C replaced by A.
Protein change: p.Ser516Tyr; replaces serine 516 with tyrosine.
Molecular consequence: missense variant. On other transcripts: non-coding transcript variant (2), intron variant (1).
Genome position (GRCh38, 1-based): chr1:67,372,523, C>A. VCF-style: chr1-67372523-C-A. GRCh37 (hg19) VCF-style: chr1-67838206-C-A.
Other names: c.1547C>A, p.Ser516Tyr (NM_001258214.1, NM_001258216.1, NM_001319233.1 and 1 more transcripts); c.1459+4498C>A (NM_001258215.1); short protein forms S516Y.
Identifiers: ClinVar variation 4727020 (VCV004727020.1).

ClinVar aggregate classification (germline): Uncertain significance (1 of 4 stars; one submission).

Submission:

Labcorp Genetics (formerly Invitae), Labcorp
Classification: Uncertain significance. Last evaluated: 2025-09-15. Review status: criteria provided, single submitter. Criteria: Invitae Variant Classification Sherloc (09022015). Collection method: clinical testing. Allele origin: germline.
Comment: This sequence change replaces serine, which is neutral and polar, with tyrosine, which is neutral and polar, at codon 516 of the IL12RB2 protein (p.Ser516Tyr). This variant is present in population databases (no rsID available, gnomAD 0.006%). This variant has not been reported in the literature in individuals affected with IL12RB2-related conditions. An algorithm developed to predict the effect of missense changes on protein structure and function (PolyPhen-2) suggests that this variant is likely to be disruptive. In summary, the available evidence is currently insufficient to determine the role of this variant in disease. Therefore, it has been classified as a Variant of Uncertain Significance.